The following is an entry in ClinVar:

ClinVar aggregate classification (germline): Pathogenic (1 of 4 stars; one submission).

Conditions:
Hereditary cancer-predisposing syndrome. Also called: Hereditary Cancer Syndrome; Neoplastic Syndromes, Hereditary; Tumor predisposition; Hereditary neoplastic syndrome. Identifiers: Orphanet 140162, MedGen C0027672, MeSH D009386, MONDO:0015356.

Submission:

Ambry Genetics
Classification: Pathogenic for Hereditary cancer-predisposing syndrome. Last evaluated: 2020-07-22. Review status: criteria provided, single submitter. Criteria: Ambry Variant Classification Scheme 2023. Collection method: clinical testing. Allele origin: germline.
Comment: The c.482_486delAAGATinsTGG pathogenic mutation, located in coding exon 3 of the CHEK2 gene, results from the deletion of 5 nucleotides and insertion of 3 nucleotides causing a translational frameshift with a predicted alternate stop codon (p.E161Vfs*24). This alteration is expected to result in loss of function by premature protein truncation or nonsense-mediated mRNA decay. As such, this alteration is interpreted as a disease-causing mutation.

NM_007194.4(CHEK2):c.482_486delinsTGG (p.Glu161fs)

Gene: CHEK2 (checkpoint kinase 2; minus strand). Cytogenetic location: 22q12.1.
Variant type: Indel.
Coding change: c.482_486delinsTGG on transcript NM_007194.4 (MANE Select); coding-DNA positions 482 to 486, AAGAT replaced by TGG.
Protein change: p.Glu161fs; shifts the reading frame from glutamic acid 161.
Molecular consequence: frameshift variant. On other transcripts: 5 prime UTR variant (2), intron variant (1).
Genome position (GRCh38, 1-based): chr22:28,725,083-28,725,087, ATCTT replaced by CCA on the plus strand (AAGAT replaced by TGG on the coding strand, the reverse complement: CHEK2 is on the minus strand). VCF-style: chr22-28725083-ATCTT-CCA. GRCh37 (hg19) VCF-style: chr22-29121071-ATCTT-CCA.
Other names: c.611_615delinsTGG, p.Glu204fs (NM_001005735.3, NM_001438294.1); c.-296_-292delinsTGG (NM_001257387.3); c.-182_-178delinsTGG (NM_001437942.1); c.575_579delinsTGG, p.Glu192fs (NM_001438293.1, NM_001438295.1); c.482_486delinsTGG, p.Glu161fs (NM_145862.3); c.444+156_444+160delinsTGG (NM_001349956.3); short protein forms E161fs, E204fs, E192fs.
Identifiers: ClinVar variation 1743358 (VCV001743358.2), dbSNP rs2518053695, ClinGen allele CA2580099456.